The following is an entry in ClinVar:

NM_006019.4(TCIRG1):c.922del (p.Gln308fs)

Gene: TCIRG1 (T cell immune regulator 1, ATPase H+ transporting V0 subunit a3; plus strand). Cytogenetic location: 11q13.2.
Variant type: Deletion.
Coding change: c.922del on transcript NM_006019.4 (MANE Select); coding-DNA position 922, one base deleted (C; older notation c.922delC).
Protein change: p.Gln308fs; shifts the reading frame from glutamine 308.
Molecular consequence: frameshift variant.
Genome position (GRCh38, 1-based): chr11:68,044,246, C deleted; the last of 2 consecutive C bases (chr11:68,044,245-68,044,246); deleting either gives the same sequence. VCF-style (leftmost placement, unchanged base first): chr11-68044244-AC-A. GRCh37 (hg19) VCF-style: chr11-67811711-AC-A.
Other names: c.28del, p.Gln10fs (NM_001351059.2); c.274del, p.Gln92fs (NM_006053.4); short protein forms Q308fs, Q92fs, Q10fs.
Identifiers: ClinVar variation 5459 (VCV000005459.4), dbSNP rs1554996130, ClinGen allele CA658821823.
Genomic context (GRCh38, chr11:68,044,244, plus strand): 5'-AGCTGCTGCCGCCAGGGCAGGTGCAGGTCCACAAGATGAAGGCCGTGTACCTGGCCCTGA[AC>A]CAGTGCAGCGTGAGCACCACGCACAAGTGCCTCATTGCCGAGGCCTGGTGCTCTGTGCGA-3'

ClinVar aggregate classification (germline): Pathogenic. Review status: criteria provided, single submitter (1 of 4 stars). 2 submissions from 2 submitters: Pathogenic (1). 1 of the submissions does not count toward it. Last evaluated 2023-12-14.

Conditions:
Autosomal recessive osteopetrosis 1. Also called: TCIRG1-Related Autosomal Recessive Osteopetrosis; ALBERS-SCHONBERG DISEASE, AUTOSOMAL RECESSIVE; TCIRG1-Related Osteopetrosis. Identifiers: Orphanet 667, MedGen C1850127, MONDO:0009815, OMIM 259700.

Submissions (2):

Labcorp Genetics (formerly Invitae), Labcorp
Classification: Pathogenic. Last evaluated: 2023-12-14. Review status: criteria provided, single submitter. Criteria: Invitae Variant Classification Sherloc (09022015). Collection method: clinical testing. Allele origin: germline.
Comment: This sequence change creates a premature translational stop signal (p.Gln308Serfs*4) in the TCIRG1 gene. It is expected to result in an absent or disrupted protein product. Loss-of-function variants in TCIRG1 are known to be pathogenic (PMID: 10888887, 10942435, 11532986, 19448635). This variant is not present in population databases (gnomAD no frequency). This premature translational stop signal has been observed in individual(s) with osteopetrosis (PMID: 10888887). This variant is also known as delC5272. ClinVar contains an entry for this variant (Variation ID: 5459). For these reasons, this variant has been classified as Pathogenic.

OMIM
Classification: Pathogenic for OSTEOPETROSIS, AUTOSOMAL RECESSIVE 1. Last evaluated: 2000-07-01. Review status: no assertion criteria provided. Collection method: literature only. Allele origin: germline. Not counted in ClinVar's aggregate classification.

Literature cited by the submitters: PubMed 10888887 (cited by Labcorp Genetics (formerly Invitae), Labcorp and OMIM); PubMed 10942435 (cited by Labcorp Genetics (formerly Invitae), Labcorp); PubMed 11532986 (cited by Labcorp Genetics (formerly Invitae), Labcorp); PubMed 19448635 (cited by Labcorp Genetics (formerly Invitae), Labcorp).